The following is an entry in ClinVar:

ClinVar aggregate classification (germline): Pathogenic (1 of 4 stars; one submission).

Submission:

Labcorp Genetics (formerly Invitae), Labcorp
Classification: Pathogenic. Last evaluated: 2024-02-22. Review status: criteria provided, single submitter. Criteria: Invitae Variant Classification Sherloc (09022015). Collection method: clinical testing. Allele origin: germline.
Comment: This sequence change creates a premature translational stop signal (p.Asn1929Metfs*3) in the VPS13A gene. It is expected to result in an absent or disrupted protein product. Loss-of-function variants in VPS13A are known to be pathogenic (PMID: 12404112, 21598378). This variant is not present in population databases (gnomAD no frequency). This variant has not been reported in the literature in individuals affected with VPS13A-related conditions. For these reasons, this variant has been classified as Pathogenic.

Literature cited by the submitters: PubMed 12404112; PubMed 21598378.

NM_033305.3(VPS13A):c.5786del (p.Asn1929fs)

Gene: VPS13A (vacuolar protein sorting 13 homolog A; plus strand). Cytogenetic location: 9q21.2.
Variant type: Deletion.
Coding change: c.5786del on transcript NM_033305.3 (MANE Select); coding-DNA position 5786, one base deleted (A; older notation c.5786delA).
Protein change: p.Asn1929fs; shifts the reading frame from asparagine 1929.
Molecular consequence: frameshift variant.
Genome position (GRCh38, 1-based): chr9:77,321,702, A deleted; the last of 2 consecutive A bases (chr9:77,321,701-77,321,702); deleting either gives the same sequence. VCF-style (leftmost placement, unchanged base first): chr9-77321700-CA-C. GRCh37 (hg19) VCF-style: chr9-79936616-CA-C.
Other names: c.5669del, p.Asn1890fs (NM_001018037.2); c.5786del, p.Asn1929fs (NM_001018038.3, NM_015186.4); short protein forms N1890fs, N1929fs.
Identifiers: ClinVar variation 3641168 (VCV003641168.2).